The following is an entry in ClinVar:

NM_001267550.2(TTN):c.44014G>A (p.Asp14672Asn)

Gene: TTN (titin; minus strand). Cytogenetic location: 2q31.2.
Variant type: single nucleotide variant.
Coding change: c.44014G>A on transcript NM_001267550.2 (MANE Select); coding-DNA position 44014, G replaced by A.
Protein change: p.Asp14672Asn; replaces aspartic acid 14672 with asparagine.
Molecular consequence: missense variant.
Genome position (GRCh38, 1-based): chr2:178,631,034, C>T on the plus strand (G>A on the coding strand, the complement: TTN is on the minus strand). VCF-style: chr2-178631034-C-T. GRCh37 (hg19) VCF-style: chr2-179495761-C-T.
Other names: c.39091G>A, p.Asp13031Asn (NM_001256850.1); c.16819G>A, p.Asp5607Asn (NM_003319.4); c.36310G>A, p.Asp12104Asn (NM_133378.4); c.17194G>A, p.Asp5732Asn (NM_133432.3); c.17395G>A, p.Asp5799Asn (NM_133437.4); short protein forms D5732N, D12104N, D5607N, D5799N, D13031N, D14672N.
Identifiers: ClinVar variation 691748 (VCV000691748.4), dbSNP rs1339350914, ClinGen allele CA349646444.

ClinVar aggregate classification (germline): Conflicting classifications of pathogenicity. Review status: criteria provided, conflicting classifications (1 of 4 stars). 2 submissions from 2 submitters: Uncertain significance (1); Likely benign (1). Last evaluated 2025-09-22.

Conditions:
Dilated cardiomyopathy 1G (CMD1G). Identifiers: Orphanet 154, MedGen C1858763, MONDO:0011400, OMIM 604145.
Autosomal recessive limb-girdle muscular dystrophy type 2J (LGMDR10). Also called: MUSCULAR DYSTROPHY, LIMB-GIRDLE, AUTOSOMAL RECESSIVE 10; Limb-girdle muscular dystrophy, type 2J. Identifiers: Orphanet 140922, MedGen C1837342, MONDO:0012127, OMIM 608807.
Atrial fibrillation. Identifiers: MedGen C0004238, MONDO:0004981, HP:0005110.

Allele frequency attached by ClinVar (database versions not stated): gnomAD exomes below 0.00001; gnomAD 0.00001.
gnomAD v4.1: 5 of 1,612,822 alleles (0.00031%); highest among the groups gnomAD compares: Middle Eastern, 0.033%; no homozygotes.

Submissions (2):

Labcorp Genetics (formerly Invitae), Labcorp
Classification: Uncertain significance for Dilated cardiomyopathy 1G; Autosomal recessive limb-girdle muscular dystrophy type 2J. Last evaluated: 2025-09-22. Review status: criteria provided, single submitter. Criteria: Invitae Variant Classification Sherloc (09022015). Collection method: clinical testing. Allele origin: germline.
Comment: This sequence change replaces aspartic acid, which is acidic and polar, with asparagine, which is neutral and polar, at codon 14672 of the TTN protein (p.Asp14672Asn). This variant also falls at the last nucleotide of exon 237, which is part of the consensus splice site for this exon. This variant is present in population databases (no rsID available, gnomAD 0.0009%). This variant has not been reported in the literature in individuals affected with TTN-related conditions. ClinVar contains an entry for this variant (Variation ID: 691748). Experimental studies and prediction algorithms are not available or were not evaluated, and the functional significance of this variant is currently unknown. Variants that disrupt the consensus splice site are a relatively common cause of aberrant splicing (PMID: 17576681, 9536098). This variant is located in the I band of TTN (PMID: 25589632). Non-truncating variants in this region may be clinically relevant, but have not been definitively shown to cause cardiomyopathy or neuromuscular disease (PMID: 27493940, 32778822). In summary, the available evidence is currently insufficient to determine the role of this variant in disease. Therefore, it has been classified as a Variant of Uncertain Significance.

Center for Advanced Laboratory Medicine, UC San Diego Health, University of California San Diego
Classification: Likely benign for Atrial fibrillation. Last evaluated: 2017-03-15. Review status: criteria provided, single submitter. Criteria: ACMG Guidelines, 2015. Collection method: clinical testing. Allele origin: germline. Affected: yes. Observed: 2 variant alleles.

Literature cited by the submitters: PubMed 17576681 (cited by Labcorp Genetics (formerly Invitae), Labcorp); PubMed 9536098 (cited by Labcorp Genetics (formerly Invitae), Labcorp); PubMed 25589632 (cited by Labcorp Genetics (formerly Invitae), Labcorp); PubMed 27493940 (cited by Labcorp Genetics (formerly Invitae), Labcorp); PubMed 32778822 (cited by Labcorp Genetics (formerly Invitae), Labcorp).